The following is an entry in ClinVar:

NM_001103.4(ACTN2):c.1407-335A>G

Gene: ACTN2 (actinin alpha 2; plus strand). Cytogenetic location: 1q43.
Variant type: single nucleotide variant.
Coding change: c.1407-335A>G on transcript NM_001103.4 (MANE Select); 335 bases into the intron before coding-DNA position 1407, A replaced by G.
Molecular consequence: intron variant.
Genome position (GRCh38, 1-based): chr1:236,747,332, A>G. VCF-style: chr1-236747332-A-G. GRCh37 (hg19) VCF-style: chr1-236910632-A-G.
Other names: c.783-335A>G (NM_001278344.2); c.1407-335A>G (NM_001278343.2).
Identifiers: ClinVar variation 674258 (VCV000674258.1), dbSNP rs79683418, ClinGen allele CA39732770.

ClinVar aggregate classification (germline): Likely benign (1 of 4 stars; one submission).

Allele frequency attached by ClinVar (database versions not stated): 1000 Genomes Project 0.00260; 1000 Genomes Project 30x 0.00281; gnomAD 0.00324 and 0.00353; TOPMed 0.00353.
gnomAD v4.1: 493 of 152,200 alleles (0.32%); highest among the groups gnomAD compares: African/African-American, 1.1%; 2 homozygotes.

Submission:

GeneDx
Classification: Likely benign. Last evaluated: 2018-06-19. Review status: criteria provided, single submitter. Criteria: GeneDx Variant Classification (06012015). Collection method: clinical testing. Allele origin: germline. Affected: yes.
Comment: This variant is considered likely benign or benign based on one or more of the following criteria: it is a conservative change, it occurs at a poorly conserved position in the protein, it is predicted to be benign by multiple in silico algorithms, and/or has population frequency not consistent with disease.